The following is an entry in ClinVar:

ClinVar aggregate classification (germline): Uncertain significance (1 of 4 stars; one submission).

Allele frequency attached by ClinVar (database versions not stated): gnomAD 0.00001; gnomAD exomes 0.00001 and 0.00004; TOPMed 0.00002; ExAC 0.00003.
gnomAD v4.1: 17 of 1,614,036 alleles (0.0011%); highest among the groups gnomAD compares: East Asian, 0.02%; no homozygotes.

Submission:

Labcorp Genetics (formerly Invitae), Labcorp
Classification: Uncertain significance. Last evaluated: 2022-02-05. Review status: criteria provided, single submitter. Criteria: Invitae Variant Classification Sherloc (09022015). Collection method: clinical testing. Allele origin: germline.
Comment: This sequence change replaces lysine, which is basic and polar, with arginine, which is basic and polar, at codon 661 of the P3H2 protein (p.Lys661Arg). This variant is present in population databases (rs776598543, gnomAD 0.03%). This missense change has been observed in individual(s) with high myopia (PMID: 28442722). ClinVar contains an entry for this variant (Variation ID: 849258). Algorithms developed to predict the effect of missense changes on protein structure and function (SIFT, PolyPhen-2, Align-GVGD) all suggest that this variant is likely to be tolerated. In summary, the available evidence is currently insufficient to determine the role of this variant in disease. Therefore, it has been classified as a Variant of Uncertain Significance.

Literature cited by the submitters: PubMed 28442722.

NM_018192.4(P3H2):c.1982A>G (p.Lys661Arg)

Gene: P3H2 (prolyl 3-hydroxylase 2; minus strand). Cytogenetic location: 3q28.
Variant type: single nucleotide variant.
Coding change: c.1982A>G on transcript NM_018192.4 (MANE Select); coding-DNA position 1982, A replaced by G.
Protein change: p.Lys661Arg; replaces lysine 661 with arginine.
Molecular consequence: missense variant.
Genome position (GRCh38, 1-based): chr3:189,964,010, T>C on the plus strand (A>G on the coding strand, the complement: P3H2 is on the minus strand). VCF-style: chr3-189964010-T-C. GRCh37 (hg19) VCF-style: chr3-189681799-T-C.
Other names: c.1439A>G, p.Lys480Arg (NM_001134418.2); short protein forms K480R, K661R.
Identifiers: ClinVar variation 849258 (VCV000849258.6), dbSNP rs776598543, ClinGen allele CA2752705.